The following is an entry in ClinVar:

NM_001126108.2(SLC12A3):c.1669+1G>T

Gene: SLC12A3 (solute carrier family 12 member 3; plus strand). Cytogenetic location: 16q13.
Variant type: single nucleotide variant.
Coding change: c.1669+1G>T on transcript NM_001126108.2 (MANE Select); the canonical splice donor site of the intron after coding-DNA position 1669, G replaced by T.
Molecular consequence: splice donor variant.
Genome position (GRCh38, 1-based): chr16:56,882,498, G>T. VCF-style: chr16-56882498-G-T. GRCh37 (hg19) VCF-style: chr16-56916410-G-T.
Other names: c.1669+1G>T (NM_000339.3); c.1666+1G>T (NM_001126107.2, NM_001410896.1).
Identifiers: ClinVar variation 4818191 (VCV004818191.1).
Genomic context (GRCh38, chr16:56,882,498, plus strand): 5'-TCTGCTCCTATGCCCTCATCAACTTCAGCTGCTTCCACGCCTCCATCACCAACTCGCCTG[G>T]TAAGCAAACCCTTCACCCACCTCAGGAGGAGGCACCCAGGGGGCAGGAGGAACTGGGGCA-3'

ClinVar aggregate classification (germline): Likely pathogenic (1 of 4 stars; one submission).

Conditions:
Familial hypokalemia-hypomagnesemia (GTLMNS). Also called: POTASSIUM AND MAGNESIUM DEPLETION; HYPOMAGNESEMIA-HYPOKALEMIA, PRIMARY RENOTUBULAR, WITH HYPOCALCIURIA; gitelman syndrome. Identifiers: Orphanet 358, MedGen C0268450, MONDO:0009904, OMIM 263800.

Submission:

Natera, Inc.
Classification: Likely pathogenic for Gitelman syndrome. Last evaluated: 2024-09-16. Review status: criteria provided, single submitter. Criteria: Natera Variant Classification Schema (03/2026). Collection method: clinical testing. Allele origin: germline.
Comment: The c.1669+1G>T variant in SLC12A3 is a canonical splice donor site variant predicted to affect pre-mRNA splicing, which may result in an abnormal transcript and altered protein product. This variant is expected to result in nonsense mediated decay, truncation, or a dysfunctional protein product. This variant is rare in the general population with a frequency below the threshold expected for the associated phenotype(s). Given the available evidence, this variant is classified as Likely Pathogenic.